The following is an entry in ClinVar:

ClinVar aggregate classification (germline): Likely benign. Review status: criteria provided, multiple submitters, no conflicts (2 of 4 stars). 5 submissions from 5 submitters: Likely benign (5). Last evaluated 2025-07-29.

Conditions:
Hereditary cancer-predisposing syndrome. Also called: Hereditary neoplastic syndrome; Neoplastic Syndromes, Hereditary; Tumor predisposition; Hereditary Cancer Syndrome. Identifiers: Orphanet 140162, MedGen C0027672, MeSH D009386, MONDO:0015356.
Hereditary breast ovarian cancer syndrome. Also called: Hereditary breast and ovarian cancer syndrome (HBOC); Breast and ovarian cancer; Hereditary breast and ovarian cancer syndrome; Hereditary breast and ovarian cancer; Hereditary breast and/or ovarian cancer syndrome; BRCA1- and BRCA2-Associated Hereditary Breast and Ovarian Cancer. Identifiers: Orphanet 145, MedGen C0677776, MeSH D061325, MONDO:0003582. Disease mechanism: loss of function.
Breast-ovarian cancer, familial, susceptibility to, 2 (BROVCA2). Also called: BRCA2 Hereditary Breast and Ovarian Cancer. Identifiers: Orphanet 145, MedGen C2675520, MONDO:0012933, OMIM 612555. Disease mechanism: loss of function.

Allele frequency attached by ClinVar (database versions not stated): gnomAD exomes below 0.00001.
gnomAD v4.1: 1 of 1,613,964 alleles (0.000062%); highest among the groups gnomAD compares: Admixed American, 0.0017%; no homozygotes.

Submissions (5):

Labcorp Genetics (formerly Invitae), Labcorp
Classification: Likely benign for Hereditary breast ovarian cancer syndrome. Last evaluated: 2025-07-29. Review status: criteria provided, single submitter. Criteria: Invitae Variant Classification Sherloc (09022015). Collection method: clinical testing. Allele origin: germline.

All of Us Research Program, National Institutes of Health
Classification: Likely benign for Breast-ovarian cancer, familial, susceptibility to, 2. Last evaluated: 2023-10-27. Review status: criteria provided, single submitter. Criteria: ACMG Guidelines, 2015. Collection method: clinical testing. Allele origin: germline. Inheritance: Autosomal dominant inheritance. Observed: 2 variant alleles, 2 heterozygotes.
Comment: This study involves interpretation of variants in research participants for the purpose of population health screening. Participant phenotype was not available at the time of variant classification. Additional details can be found in publication PMID: 35346344, PMCID: PMC8962531

Color Diagnostics, LLC DBA Color Health
Classification: Likely benign for Hereditary cancer-predisposing syndrome. Last evaluated: 2018-11-30. Review status: criteria provided, single submitter. Criteria: ACMG Guidelines, 2015. Collection method: clinical testing. Allele origin: germline.

Women's Health and Genetics/Laboratory Corporation of America, LabCorp
Classification: Likely benign. Last evaluated: 2017-07-14. Review status: criteria provided, single submitter. Criteria: LabCorp Variant Classification Summary - May 2015. Collection method: clinical testing. Allele origin: germline.
Comment: Variant summary: The BRCA2 c.1716A>G (p.Val572Val) variant involves the alteration of a non-conserved nucleotide, resulting in a synonymous change. One in silico tool predicts a benign outcome for this variant. 3/5 splice prediction tools predict no significant impact on normal splicing. ESE finder predicts that this variant may affect ESE sites. However, these predictions have yet to be confirmed by functional studies. This variant is absent in 120828 control chromosomes. The variant of interest has not, to our knowledge, been reported in affected individuals via publications and/or reputable databases/clinical diagnostic laboratories; nor evaluated for functional impact by in vivo/vitro studies. Taken together, this variant is classified as likely benign.

Ambry Genetics
Classification: Likely benign for Hereditary cancer-predisposing syndrome. Last evaluated: 2017-01-31. Review status: criteria provided, single submitter. Criteria: Ambry Variant Classification Scheme 2023. Collection method: clinical testing. Allele origin: germline.

NM_000059.4(BRCA2):c.1716A>G (p.Val572=)

Gene: BRCA2 (BRCA2 DNA repair associated; plus strand). Cytogenetic location: 13q13.1.
Variant type: single nucleotide variant.
Coding change: c.1716A>G on transcript NM_000059.4 (MANE Select); coding-DNA position 1716, A replaced by G.
Protein change: p.Val572=; no amino-acid change (valine 572 retained).
Molecular consequence: synonymous variant.
Genome position (GRCh38, 1-based): chr13:32,333,194, A>G. VCF-style: chr13-32333194-A-G. GRCh37 (hg19) VCF-style: chr13-32907331-A-G.
Identifiers: ClinVar variation 483075 (VCV000483075.17), dbSNP rs1555282031, ClinGen allele CA483436653.